The following is an entry in ClinVar:

NM_152327.5(AK7):c.498+6T>C

Gene: AK7 (adenylate kinase 7; plus strand). Cytogenetic location: 14q32.2.
Variant type: single nucleotide variant.
Coding change: c.498+6T>C on transcript NM_152327.5 (MANE Select); 6 bases into the intron after coding-DNA position 498, T replaced by C.
Molecular consequence: intron variant.
Genome position (GRCh38, 1-based): chr14:96,408,947, T>C. VCF-style: chr14-96408947-T-C. GRCh37 (hg19) VCF-style: chr14-96875284-T-C.
Other names: c.498+6T>C (NM_001350888.2, NM_001350890.2, NM_001350892.2 and 1 more transcripts).
Identifiers: ClinVar variation 4770144 (VCV004770144.1).

ClinVar aggregate classification (germline): Uncertain significance (1 of 4 stars; one submission).

gnomAD v4.1: 1 of 1,613,544 alleles (0.000062%); highest among the groups gnomAD compares: Non-Finnish European, 0.000085%; no homozygotes.

Submission:

Labcorp Genetics (formerly Invitae), Labcorp
Classification: Uncertain significance. Last evaluated: 2025-07-15. Review status: criteria provided, single submitter. Criteria: Invitae Variant Classification Sherloc (09022015). Collection method: clinical testing. Allele origin: germline.
Comment: This sequence change falls in intron 4 of the AK7 gene. It does not directly change the encoded amino acid sequence of the AK7 protein. It affects a nucleotide within the consensus splice site. This variant is not present in population databases (gnomAD no frequency). This variant has not been reported in the literature in individuals affected with AK7-related conditions. Variants that disrupt the consensus splice site are a relatively common cause of aberrant splicing (PMID: 17576681, 9536098). Algorithms developed to predict the effect of sequence changes on RNA splicing suggest that this variant may disrupt the consensus splice site. In summary, the available evidence is currently insufficient to determine the role of this variant in disease. Therefore, it has been classified as a Variant of Uncertain Significance.

Literature cited by the submitters: PubMed 17576681; PubMed 9536098.